The following is an entry in ClinVar:

NM_182916.3(TRNT1):c.1092A>T (p.Glu364Asp)

Gene: TRNT1 (tRNA nucleotidyl transferase 1; plus strand). Cytogenetic location: 3p26.2.
Variant type: single nucleotide variant.
Coding change: c.1092A>T on transcript NM_182916.3 (MANE Select); coding-DNA position 1092, A replaced by T.
Protein change: p.Glu364Asp; replaces glutamic acid 364 with aspartic acid.
Molecular consequence: missense variant. On other transcripts: non-coding transcript variant (8).
Genome position (GRCh38, 1-based): chr3:3,147,941, A>T. VCF-style: chr3-3147941-A-T. GRCh37 (hg19) VCF-style: chr3-3189625-A-T.
Other names: c.1032A>T, p.Glu344Asp (NM_001302946.2); c.1092A>T, p.Glu364Asp (NM_001367321.1, NM_001367322.1, NM_001367323.1); short protein forms E344D, E364D.
Identifiers: ClinVar variation 3691193 (VCV003691193.2).
Genomic context (GRCh38, chr3:3,147,941, plus strand): 5'-CTAAATGTTTGATTTTGACACGTAGTCTAGGGAACCTGATGCAACTACTCGTGTATGTGA[A>T]CTACTGAAGTACCAAGGAGAGCACTGTCTCCTAAAGGAAATGCAGCAGTGGTCCATTCCT-3'
Protein context (NP_886552.3, residues 354-374): REPDATTRVC[Glu364Asp]LLKYQGEHCL

ClinVar aggregate classification (germline): Likely pathogenic (1 of 4 stars; one submission).

Conditions:
Congenital sideroblastic anemia-B-cell immunodeficiency-periodic fever-developmental delay syndrome. Also called: Sideroblastic anemia with B-cell immunodeficiency, periodic fevers, and developmental delay. Identifiers: Orphanet 369861, MedGen C4015172, MONDO:0014487, OMIM 616084.

Submission:

Labcorp Genetics (formerly Invitae), Labcorp
Classification: Likely pathogenic for Congenital sideroblastic anemia-B-cell immunodeficiency-periodic fever-developmental delay syndrome. Last evaluated: 2025-01-23. Review status: criteria provided, single submitter. Criteria: Invitae Variant Classification Sherloc (09022015). Collection method: clinical testing. Allele origin: germline.
Comment: This sequence change replaces glutamic acid, which is acidic and polar, with aspartic acid, which is acidic and polar, at codon 364 of the TRNT1 protein (p.Glu364Asp). This variant is not present in population databases (gnomAD no frequency). This missense change has been observed in individual(s) with sideroblastic anemia (PMID: 34510712). In at least one individual the data is consistent with being in trans (on the opposite chromosome) from a pathogenic variant. It has also been observed to segregate with disease in related individuals. Invitae Evidence Modeling of protein sequence and biophysical properties (such as structural, functional, and spatial information, amino acid conservation, physicochemical variation, residue mobility, and thermodynamic stability) has been performed for this missense variant. However, the output from this modeling did not meet the statistical confidence thresholds required to predict the impact of this variant on TRNT1 protein function. In summary, the currently available evidence indicates that the variant is pathogenic, but additional data are needed to prove that conclusively. Therefore, this variant has been classified as Likely Pathogenic.

Literature cited by the submitters: PubMed 34510712.